The following is an entry in ClinVar:

ClinVar aggregate classification (germline): Uncertain significance (1 of 4 stars; one submission).

Submission:

Labcorp Genetics (formerly Invitae), Labcorp
Classification: Uncertain significance. Last evaluated: 2022-09-01. Review status: criteria provided, single submitter. Criteria: Invitae Variant Classification Sherloc (09022015). Collection method: clinical testing. Allele origin: germline.
Comment: This variant has not been reported in the literature in individuals affected with DVL3-related conditions. In summary, the available evidence is currently insufficient to determine the role of this variant in disease. Therefore, it has been classified as a Variant of Uncertain Significance. Experimental studies and prediction algorithms are not available or were not evaluated, and the functional significance of this variant is currently unknown. This variant is not present in population databases (gnomAD no frequency). This sequence change creates a premature translational stop signal (p.Ser581Argfs*87) in the DVL3 gene. While this is not anticipated to result in nonsense mediated decay, it is expected to disrupt the last 136 amino acid(s) of the DVL3 protein.

NM_004423.4(DVL3):c.1743del (p.Ser581fs)

Gene: DVL3 (dishevelled segment polarity protein 3; plus strand). Cytogenetic location: 3q27.1.
Variant type: Deletion.
Coding change: c.1743del on transcript NM_004423.4 (MANE Select); coding-DNA position 1743, one base deleted (C; older notation c.1743delC).
Protein change: p.Ser581fs; shifts the reading frame from serine 581.
Molecular consequence: frameshift variant.
Genome position (GRCh38, 1-based): chr3:184,170,347, C deleted. VCF-style (leftmost placement, unchanged base first): chr3-184170346-GC-G. GRCh37 (hg19) VCF-style: chr3-183888134-GC-G.
Other names: short protein forms S581fs.
Identifiers: ClinVar variation 2028424 (VCV002028424.4), dbSNP rs2473705754, ClinGen allele CA2580070489.